The following is an entry in ClinVar:

ClinVar aggregate classification (germline): Uncertain significance (1 of 4 stars; one submission).

Conditions:
Bloom syndrome (BLM). Also called: Bloom-Torre-Machacek syndrome. Identifiers: Orphanet 125, MedGen C0005859, MONDO:0008876, OMIM 210900.

Submission:

Labcorp Genetics (formerly Invitae), Labcorp
Classification: Uncertain significance for Bloom syndrome. Last evaluated: 2019-11-13. Review status: criteria provided, single submitter. Criteria: Invitae Variant Classification Sherloc (09022015). Collection method: clinical testing. Allele origin: germline.
Comment: This sequence change replaces threonine with serine at codon 36 of the BLM protein (p.Thr36Ser). The threonine residue is moderately conserved and there is a small physicochemical difference between threonine and serine. This variant is not present in population databases (ExAC no frequency). This variant has not been reported in the literature in individuals with BLM-related conditions. Algorithms developed to predict the effect of missense changes on protein structure and function are either unavailable or do not agree on the potential impact of this missense change (SIFT: "Tolerated"; PolyPhen-2: "Probably Damaging"; Align-GVGD: "Class C0"). In summary, the available evidence is currently insufficient to determine the role of this variant in disease. Therefore, it has been classified as a Variant of Uncertain Significance.

NM_000057.4(BLM):c.107C>G (p.Thr36Ser)

Gene: BLM (BLM RecQ like helicase; plus strand). Cytogenetic location: 15q26.1.
Variant type: single nucleotide variant.
Coding change: c.107C>G on transcript NM_000057.4 (MANE Select); coding-DNA position 107, C replaced by G.
Protein change: p.Thr36Ser; replaces threonine 36 with serine.
Molecular consequence: missense variant. On other transcripts: 5 prime UTR variant (1).
Genome position (GRCh38, 1-based): chr15:90,749,375, C>G. VCF-style: chr15-90749375-C-G. GRCh37 (hg19) VCF-style: chr15-91292605-C-G.
Other names: c.107C>G, p.Thr36Ser (NM_001287246.2, NM_001287247.2); c.-1185C>G (NM_001287248.2); short protein forms T36S.
Identifiers: ClinVar variation 956018 (VCV000956018.1), dbSNP rs1895599706, ClinGen allele CA393839311.
Genomic context (GRCh38, chr15:90,749,375, plus strand): 5'-GGGGGTTTCTTAAAATGGATCCATCTAATCTAGTTTTTCCATTATTTTTCAGAGGTTTCA[C>G]TTTTAAAAAGAAAACATCTTCAGATAACAATGTATCTGTAACTAATGTGTCAGTAGCAAA-3'
Protein context (NP_000048.1, residues 26-46): SLSKPKFSGF[Thr36Ser]FKKKTSSDNN